The following is an entry in ClinVar:

NM_000051.4(ATM):c.8764G>A (p.Gly2922Ser)

Genes: ATM (ATM serine/threonine kinase; plus strand), C11orf65 (chromosome 11 open reading frame 65; minus strand). Cytogenetic location: 11q22.3.
Variant type: single nucleotide variant.
Coding change: c.8764G>A on transcript NM_000051.4 (MANE Select); coding-DNA position 8764, G replaced by A.
Protein change: p.Gly2922Ser; replaces glycine 2922 with serine.
Molecular consequence: missense variant. On other transcripts: intron variant (2).
Genome position (GRCh38, 1-based): chr11:108,353,858, G>A. VCF-style: chr11-108353858-G-A. GRCh37 (hg19) VCF-style: chr11-108224585-G-A.
Other names: c.8764G>A, p.Gly2922Ser (NM_001351834.2); c.640+32062C>T (NM_001330368.2); c.695-18566C>T (NM_001351110.2); short protein forms G2922S.
Identifiers: ClinVar variation 2815144 (VCV002815144.3), dbSNP rs1305259098, ClinGen allele CA382524177.

ClinVar aggregate classification (germline): Uncertain significance (1 of 4 stars; one submission).

Conditions:
Ataxia-telangiectasia syndrome (AT). Also called: LOUIS-BAR SYNDROME; Cerebello-oculocutaneous telangiectasia; Immunodeficiency with ataxia telangiectasia; Ataxia telangiectasia (A-T); Ataxia-telangiectasia, complementation group D; AT, COMPLEMENTATION GROUP C. Identifiers: Orphanet 100, MedGen C0004135, MONDO:0008840, OMIM 208900.

Submission:

Labcorp Genetics (formerly Invitae), Labcorp
Classification: Uncertain significance for Ataxia-telangiectasia syndrome. Last evaluated: 2022-11-18. Review status: criteria provided, single submitter. Criteria: Invitae Variant Classification Sherloc (09022015). Collection method: clinical testing. Allele origin: germline.
Comment: This variant has not been reported in the literature in individuals affected with ATM-related conditions. In summary, the available evidence is currently insufficient to determine the role of this variant in disease. Therefore, it has been classified as a Variant of Uncertain Significance. Algorithms developed to predict the effect of missense changes on protein structure and function (SIFT, PolyPhen-2, Align-GVGD) all suggest that this variant is likely to be disruptive. This variant is not present in population databases (gnomAD no frequency). This sequence change replaces glycine, which is neutral and non-polar, with serine, which is neutral and polar, at codon 2922 of the ATM protein (p.Gly2922Ser).